The following is an entry in ClinVar:

NM_001367823.1(ARHGEF18):c.2661_2670del (p.Cys887fs)

Gene: ARHGEF18 (Rho/Rac guanine nucleotide exchange factor 18; plus strand). Cytogenetic location: 19p13.2.
Variant type: Deletion.
Coding change: c.2661_2670del on transcript NM_001367823.1 (MANE Select); coding-DNA positions 2661 to 2670, 10 bases deleted (CAGGCAGCTG; older notation c.2661_2670delCAGGCAGCTG).
Protein change: p.Cys887fs; shifts the reading frame from cysteine 887.
Molecular consequence: frameshift variant.
Genome position (GRCh38, 1-based): chr19:7,463,843-7,463,852, CAGGCAGCTG deleted; deleting any 10 consecutive bases within chr19:7,463,840-7,463,852 gives the same sequence; the c. name uses the placement nearest the transcript's 3' end. VCF-style (leftmost placement, unchanged base first): chr19-7463839-TCTGCAGGCAG-T. GRCh37 (hg19) VCF-style: chr19-7528725-TCTGCAGGCAG-T.
Other names: c.1935_1944del, p.Cys645fs (NM_001130955.2); c.1623_1632del, p.Cys541fs (NM_001367824.1, NM_015318.4); short protein forms C541fs, C645fs, C887fs.
Identifiers: ClinVar variation 941795 (VCV000941795.8), dbSNP rs753598640, ClinGen allele CA9136936.

ClinVar aggregate classification (germline): Pathogenic/Likely pathogenic. Review status: criteria provided, multiple submitters, no conflicts (2 of 4 stars). 2 submissions from 2 submitters: Pathogenic (1); Likely pathogenic (1). Last evaluated 2024-10-28.

Conditions:
ARHGEF18-related disorder. Also called: ARHGEF18-related condition.

Submissions (2):

Labcorp Genetics (formerly Invitae), Labcorp
Classification: Pathogenic. Last evaluated: 2024-10-28. Review status: criteria provided, single submitter. Criteria: Invitae Variant Classification Sherloc (09022015). Collection method: clinical testing. Allele origin: germline.
Comment: This sequence change creates a premature translational stop signal (p.Cys699Trpfs*62) in the ARHGEF18 gene. It is expected to result in an absent or disrupted protein product. Loss-of-function variants in ARHGEF18 are known to be pathogenic (PMID: 28132693). This variant is present in population databases (rs753598640, gnomAD 0.008%). This variant has not been reported in the literature in individuals affected with ARHGEF18-related conditions. ClinVar contains an entry for this variant (Variation ID: 941795). For these reasons, this variant has been classified as Pathogenic.

Blueprint Genetics
Classification: Likely pathogenic for ARHGEF18-related disorders. Last evaluated: 2023-05-23. Review status: criteria provided, single submitter. Criteria: ACMG Guidelines, 2015. Collection method: clinical testing. Allele origin: germline. Affected: yes. Observed: 2 variant alleles.

Literature cited by the submitters: PubMed 28132693 (cited by Labcorp Genetics (formerly Invitae), Labcorp).